The following is an entry in ClinVar:

NM_000744.7(CHRNA4):c.1148G>A (p.Arg383His)

Gene: CHRNA4 (cholinergic receptor nicotinic alpha 4 subunit; minus strand). Cytogenetic location: 20q13.33.
Variant type: single nucleotide variant.
Coding change: c.1148G>A on transcript NM_000744.7 (MANE Select); coding-DNA position 1148, G replaced by A.
Protein change: p.Arg383His; replaces arginine 383 with histidine.
Molecular consequence: missense variant. On other transcripts: non-coding transcript variant (1).
Genome position (GRCh38, 1-based): chr20:63,350,263, C>T on the plus strand (G>A on the coding strand, the complement: CHRNA4 is on the minus strand). VCF-style: chr20-63350263-C-T. GRCh37 (hg19) VCF-style: chr20-61981615-C-T.
Other names: c.620G>A, p.Arg207His (NM_001256573.2); short protein forms R383H, R207H.
Identifiers: ClinVar variation 476999 (VCV000476999.16), dbSNP rs762374374, ClinGen allele CA9957646.

ClinVar aggregate classification (germline): Likely benign. Review status: criteria provided, multiple submitters, no conflicts (2 of 4 stars). 4 submissions from 4 submitters: Likely benign (4). Last evaluated 2025-12-09.

Conditions:
Familial sleep-related hypermotor epilepsy. Also called: Autosomal Dominant Sleep-Related Hypermotor (Hyperkinetic) Epilepsy. Identifiers: Orphanet 98784, MedGen C3696898, MONDO:0000030.
CHRNA4-related disorder. Also called: CHRNA4-related condition.
Inborn genetic diseases. Identifiers: MedGen C0950123, MeSH D030342.

Allele frequency attached by ClinVar (database versions not stated): gnomAD exomes 0.00006; gnomAD 0.00008; ExAC 0.00005; TOPMed 0.00005.
gnomAD v4.1: 89 of 1,610,974 alleles (0.0055%); highest among the groups gnomAD compares: Middle Eastern, 0.033%; no homozygotes.

Submissions (4):

Labcorp Genetics (formerly Invitae), Labcorp
Classification: Likely benign. Last evaluated: 2025-12-09. Review status: criteria provided, single submitter. Criteria: Invitae Variant Classification Sherloc (09022015). Collection method: clinical testing. Allele origin: germline.

PreventionGenetics, part of Exact Sciences
Classification: Likely benign for CHRNA4-related condition. Last evaluated: 2024-12-12. Review status: criteria provided, single submitter. Criteria: ACMG Guidelines, 2015. Collection method: clinical testing. Allele origin: germline.
Comment: This variant is classified as likely benign based on ACMG/AMP sequence variant interpretation guidelines (Richards et al. 2015 PMID: 25741868, with internal and published modifications).

Ambry Genetics
Classification: Likely benign for Inborn genetic diseases. Last evaluated: 2024-11-10. Review status: criteria provided, single submitter. Criteria: Ambry Variant Classification Scheme 2023. Collection method: clinical testing. Allele origin: germline.

GeneDx
Classification: Likely benign. Last evaluated: 2020-04-14. Review status: criteria provided, single submitter. Criteria: GeneDx Variant Classification Process June 2021. Collection method: clinical testing. Allele origin: germline. Affected: yes.